The following is an entry in ClinVar:

NM_152564.5(VPS13B):c.2014-2A>G

Gene: VPS13B (vacuolar protein sorting 13 homolog B; plus strand). Cytogenetic location: 8q22.2.
Variant type: single nucleotide variant.
Coding change: c.2014-2A>G on transcript NM_152564.5 (MANE Select); the canonical splice acceptor site of the intron before coding-DNA position 2014, A replaced by G.
Molecular consequence: splice acceptor variant.
Genome position (GRCh38, 1-based): chr8:99,156,547, A>G. VCF-style: chr8-99156547-A-G. GRCh37 (hg19) VCF-style: chr8-100168775-A-G.
Other names: splice site; c.2014-2A>G (NM_017890.5, NM_015243.3).
Identifiers: ClinVar variation 800514 (VCV000800514.4), dbSNP rs1588095580, ClinGen allele CA371864634.

ClinVar aggregate classification (germline): Pathogenic. Review status: criteria provided, single submitter (1 of 4 stars). 3 submissions from 3 submitters: Pathogenic (1). 2 of the submissions do not count toward it. Last evaluated 2018-11-15.

Conditions:
Cohen syndrome (COH1). Also called: Cutis verticis gyrata, retinitis pigmentosa, and sensorineural deafness; PEPPER SYNDROME. Identifiers: Orphanet 193, MedGen C0265223, MONDO:0008999, OMIM 216550.

Submissions (3):

Broad Center for Mendelian Genomics, Broad Institute of MIT and Harvard
Classification: Pathogenic for Cohen syndrome. Last evaluated: 2018-11-15. Review status: criteria provided, single submitter. Criteria: ACMG Guidelines, 2015. Collection method: research. Allele origin: germline. Inheritance: Autosomal recessive inheritance. Affected: yes. Clinical features observed: Abnormality of brain morphology.
Comment: The homozygous c.2014-2A>G variant in VPS13B was identified by our study in two siblings with Cohen Syndrome. This variant was absent from large population studies. The c.2014-2A>G variant occurs in the invariant region (+/- 1/2) of the splice consensus sequence and is predicted to cause altered splicing leading to an abnormal or absent protein. Loss of function of the VPS13B gene is an established disease mechanism in autosomal recessive Cohen Syndrome, and this is a loss of function variant. In summary, this variant is pathogenic.

Genome Diagnostics Laboratory, University Medical Center Utrecht
Classification: Pathogenic. Review status: no assertion criteria provided. Collection method: clinical testing. Allele origin: germline. Affected: yes. Study: VKGL Data-share Consensus. Not counted in ClinVar's aggregate classification.

Joint Genome Diagnostic Labs from Nijmegen and Maastricht, Radboudumc and MUMC+
Classification: Likely pathogenic. Review status: no assertion criteria provided. Collection method: clinical testing. Allele origin: germline. Affected: yes. Study: VKGL Data-share Consensus. Not counted in ClinVar's aggregate classification.